The following is an entry in ClinVar:

ClinVar aggregate classification (germline): Uncertain significance (1 of 4 stars; one submission).

gnomAD v4.1: 2 of 1,210,868 alleles (0.00017%); highest among the groups gnomAD compares: Admixed American, 0.0022%; no homozygotes.

Submission:

CeGaT Center for Human Genetics Tuebingen
Classification: Uncertain significance. Last evaluated: 2024-07-01. Review status: criteria provided, single submitter. Criteria: CeGaT Center For Human Genetics Tuebingen Variant Classification Criteria Version 2. Collection method: clinical testing. Allele origin: germline. Affected: yes. Observed: 1 variant allele.
Comment: PCDH11X: PM2, PP2, BP4

NM_032968.5(PCDH11X):c.2523C>A (p.His841Gln)

Gene: PCDH11X (protocadherin 11 X-linked; plus strand). Cytogenetic location: Xq21.31.
Variant type: single nucleotide variant.
Coding change: c.2523C>A on transcript NM_032968.5 (MANE Select); coding-DNA position 2523, C replaced by A.
Protein change: p.His841Gln; replaces histidine 841 with glutamine.
Molecular consequence: missense variant.
Genome position (GRCh38, 1-based): chrX:91,878,763, C>A. VCF-style: chrX-91878763-C-A. GRCh37 (hg19) VCF-style: chrX-91133762-C-A.
Other names: c.2523C>A, p.His841Gln (NM_032969.4, NM_001168360.1, NM_001168361.1 and 2 more transcripts); short protein forms H841Q.
Identifiers: ClinVar variation 3257583 (VCV003257583.17).